The following is an entry in ClinVar:

NM_000540.3(RYR1):c.14667C>T (p.Tyr4889=)

Gene: RYR1 (ryanodine receptor 1; plus strand). Cytogenetic location: 19q13.2.
Variant type: single nucleotide variant.
Coding change: c.14667C>T on transcript NM_000540.3 (MANE Select); coding-DNA position 14667, C replaced by T.
Protein change: p.Tyr4889=; no amino-acid change (tyrosine 4889 retained).
Molecular consequence: synonymous variant.
Genome position (GRCh38, 1-based): chr19:38,584,963, C>T. VCF-style: chr19-38584963-C-T. GRCh37 (hg19) VCF-style: chr19-39075603-C-T.
Other names: c.14652C>T, p.Tyr4884= (NM_001042723.2).
Identifiers: ClinVar variation 1529628 (VCV001529628.9), dbSNP rs193922887, ClinGen allele CA061506.

ClinVar aggregate classification (germline): Likely benign. Review status: criteria provided, multiple submitters, no conflicts (2 of 4 stars). 3 submissions from 3 submitters: Likely benign (3). Last evaluated 2025-05-01.

Conditions:
RYR1-related disorder. Also called: RYR1-related condition; RYR1-related disorders. Identifiers: MedGen CN239331.
Malignant hyperthermia, susceptibility to, 1 (MHS1). Also called: RYR1-Related Malignant Hyperthermia Susceptibility; Anesthesia related hyperthermia; Malignant hyperpyrexia; Fulminating hyperpyrexia; Pharmacogenic myopathy; Malignant hyperthermia suceptibility 1. Identifiers: Orphanet 423, MedGen C2930980, MONDO:0007783, OMIM 145600.

Allele frequency attached by ClinVar (database versions not stated): ExAC 0.00002; gnomAD exomes 0.00002; gnomAD 0.00003 and 0.00004.
gnomAD v4.1: 9 of 1,613,846 alleles (0.00056%); highest among the groups gnomAD compares: African/African-American, 0.0053%; no homozygotes.

Submissions (3):

Labcorp Genetics (formerly Invitae), Labcorp
Classification: Likely benign for RYR1-related disorder. Last evaluated: 2025-05-01. Review status: criteria provided, single submitter. Criteria: Invitae Variant Classification Sherloc (09022015). Collection method: clinical testing. Allele origin: germline.

All of Us Research Program, National Institutes of Health
Classification: Likely benign for Malignant hyperthermia, susceptibility to, 1. Last evaluated: 2023-12-13. Review status: criteria provided, single submitter. Criteria: ACMG Guidelines, 2015. Collection method: clinical testing. Allele origin: germline. Inheritance: Autosomal dominant inheritance. Observed: 1 variant allele, 1 heterozygote.
Comment: This study involves interpretation of variants in research participants for the purpose of population health screening. Participant phenotype was not available at the time of variant classification. Additional details can be found in publication PMID: 35346344, PMCID: PMC8962531

Color Diagnostics, LLC DBA Color Health
Classification: Likely benign for Malignant hyperthermia, susceptibility to, 1. Last evaluated: 2022-11-06. Review status: criteria provided, single submitter. Criteria: ACMG Guidelines, 2015. Collection method: clinical testing. Allele origin: germline.